The following is an entry in ClinVar:

NM_000092.5(COL4A4):c.393A>G (p.Gly131=)

Gene: COL4A4 (collagen type IV alpha 4 chain; minus strand). Cytogenetic location: 2q36.3.
Variant type: single nucleotide variant.
Coding change: c.393A>G on transcript NM_000092.5 (MANE Select); coding-DNA position 393, A replaced by G.
Protein change: p.Gly131=; no amino-acid change (glycine 131 retained).
Molecular consequence: synonymous variant.
Genome position (GRCh38, 1-based): chr2:227,118,741, T>C on the plus strand (A>G on the coding strand, the complement: COL4A4 is on the minus strand). VCF-style: chr2-227118741-T-C. GRCh37 (hg19) VCF-style: chr2-227983457-T-C.
Identifiers: ClinVar variation 1994754 (VCV001994754.6), dbSNP rs2476143856, ClinGen allele CA431504613.
Genomic context (GRCh38, chr2:227,118,741, plus strand): 5'-TGGAAACCCTGGGTCACCTCTTGAGCCATTGTGGCCACTCATACCAGGTTTGCCTCTGGG[T>C]CCAGGAGGCCCTGGGTGCCCCTGCAGAAAACAAAATTATAAGTGAAGCATTTTTGCGAAA-3'
Protein context (NP_000083.3, residues 121-141): DGIPGHPGPP[Gly131=]PRGKPGMSGH

ClinVar aggregate classification (germline): Likely benign. Review status: criteria provided, single submitter (1 of 4 stars). 2 submissions from 2 submitters: Likely benign (1). 1 of the submissions does not count toward it. Last evaluated 2022-05-15.

Conditions:
COL4A4-related disorder.

Submissions (2):

Labcorp Genetics (formerly Invitae), Labcorp
Classification: Likely benign. Last evaluated: 2022-05-15. Review status: criteria provided, single submitter. Criteria: Invitae Variant Classification Sherloc (09022015). Collection method: clinical testing. Allele origin: germline.

PreventionGenetics, part of Exact Sciences
Classification: Likely benign for COL4A4-related condition. Last evaluated: 2022-12-14. Review status: no assertion criteria provided. Collection method: clinical testing. Allele origin: germline. Not counted in ClinVar's aggregate classification.
Comment: This variant is classified as likely benign based on ACMG/AMP sequence variant interpretation guidelines (Richards et al. 2015 PMID: 25741868, with internal and published modifications).